The following is an entry in ClinVar:

ClinVar aggregate classification (germline): Uncertain significance (1 of 4 stars; one submission).

Submission:

Labcorp Genetics (formerly Invitae), Labcorp
Classification: Uncertain significance. Last evaluated: 2025-05-06. Review status: criteria provided, single submitter. Criteria: Invitae Variant Classification Sherloc (09022015). Collection method: clinical testing. Allele origin: germline.
Comment: This variant, c.195_203del, results in the deletion of 3 amino acid(s) of the TBX20 protein (p.Glu66_Gly68del), but otherwise preserves the integrity of the reading frame. This variant is not present in population databases (gnomAD no frequency). This variant has not been reported in the literature in individuals affected with TBX20-related conditions. Experimental studies and prediction algorithms are not available or were not evaluated, and the functional significance of this variant is currently unknown. In summary, the available evidence is currently insufficient to determine the role of this variant in disease. Therefore, it has been classified as a Variant of Uncertain Significance.

NM_001077653.2(TBX20):c.195_203del (p.Glu66_Gly68del)

Gene: TBX20 (T-box transcription factor 20; minus strand). Cytogenetic location: 7p14.2.
Variant type: Deletion.
Coding change: c.195_203del on transcript NM_001077653.2 (MANE Select); coding-DNA positions 195 to 203, 9 bases deleted (GGAGTTTGG; older notation c.195_203delGGAGTTTGG).
Protein change: p.Glu66_Gly68del.
Molecular consequence: inframe deletion.
Genome position (GRCh38, 1-based): chr7:35,250,128-35,250,136, CCAAACTCC deleted on the plus strand (GGAGTTTGG on the coding strand, the reverse complement: TBX20 is on the minus strand); deleting any 9 consecutive bases within chr7:35,250,128-35,250,139 gives the same sequence; the c. name uses the placement nearest the transcript's 3' end. VCF-style (leftmost placement, unchanged base first): chr7-35250127-ACCAAACTCC-A. GRCh37 (hg19) VCF-style: chr7-35289739-ACCAAACTCC-A.
Other names: c.195_203del, p.Glu66_Gly68del (NM_001166220.1).
Identifiers: ClinVar variation 4718752 (VCV004718752.1).